The following is an entry in ClinVar:

ClinVar aggregate classification (germline): Uncertain significance (1 of 4 stars; one submission).

Allele frequency attached by ClinVar (database versions not stated): gnomAD 0.00001; gnomAD exomes 0.00001; TOPMed 0.00001.

Submission:

Labcorp Genetics (formerly Invitae), Labcorp
Classification: Uncertain significance. Last evaluated: 2022-08-19. Review status: criteria provided, single submitter. Criteria: Invitae Variant Classification Sherloc (09022015). Collection method: clinical testing. Allele origin: germline.
Comment: This sequence change replaces cysteine, which is neutral and slightly polar, with serine, which is neutral and polar, at codon 369 of the YARS2 protein (p.Cys369Ser). This variant is present in population databases (no rsID available, gnomAD 0.009%). This variant has not been reported in the literature in individuals affected with YARS2-related conditions. Algorithms developed to predict the effect of missense changes on protein structure and function are either unavailable or do not agree on the potential impact of this missense change (SIFT: "Deleterious"; PolyPhen-2: "Benign"; Align-GVGD: "Class C0"). In summary, the available evidence is currently insufficient to determine the role of this variant in disease. Therefore, it has been classified as a Variant of Uncertain Significance.

NM_001040436.3(YARS2):c.1105T>A (p.Cys369Ser)

Gene: YARS2 (tyrosyl-tRNA synthetase 2; minus strand). Cytogenetic location: 12p11.21.
Variant type: single nucleotide variant.
Coding change: c.1105T>A on transcript NM_001040436.3 (MANE Select); coding-DNA position 1105, T replaced by A.
Protein change: p.Cys369Ser; replaces cysteine 369 with serine.
Molecular consequence: missense variant.
Genome position (GRCh38, 1-based): chr12:32,750,106, A>T on the plus strand (T>A on the coding strand, the complement: YARS2 is on the minus strand). VCF-style: chr12-32750106-A-T. GRCh37 (hg19) VCF-style: chr12-32903040-A-T.
Other names: short protein forms C369S.
Identifiers: ClinVar variation 1902916 (VCV001902916.2), dbSNP rs1227507449, ClinGen allele CA384370606.